The following is an entry in ClinVar:

ClinVar aggregate classification (germline): Uncertain significance (1 of 4 stars; one submission).

Conditions:
Hyperinsulinism-hyperammonemia syndrome (HHF6). Identifiers: Orphanet 35878, MedGen C1847555, MONDO:0011717, OMIM 606762.

Submission:

Labcorp Genetics (formerly Invitae), Labcorp
Classification: Uncertain significance for Hyperinsulinism-hyperammonemia syndrome. Last evaluated: 2025-07-15. Review status: criteria provided, single submitter. Criteria: Invitae Variant Classification Sherloc (09022015). Collection method: clinical testing. Allele origin: germline.
Comment: This sequence change replaces histidine, which is basic and polar, with proline, which is neutral and non-polar, at codon 355 of the GLUD1 protein (p.His355Pro). This variant is not present in population databases (gnomAD no frequency). This variant has not been reported in the literature in individuals affected with GLUD1-related conditions. Invitae Evidence Modeling of protein sequence and biophysical properties (such as structural, functional, and spatial information, amino acid conservation, physicochemical variation, residue mobility, and thermodynamic stability) indicates that this missense variant is not expected to disrupt GLUD1 protein function with a negative predictive value of 80%. In summary, the available evidence is currently insufficient to determine the role of this variant in disease. Therefore, it has been classified as a Variant of Uncertain Significance.

NM_005271.5(GLUD1):c.1064A>C (p.His355Pro)

Gene: GLUD1 (glutamate dehydrogenase 1; minus strand). Cytogenetic location: 10q23.2.
Variant type: single nucleotide variant.
Coding change: c.1064A>C on transcript NM_005271.5 (MANE Select); coding-DNA position 1064, A replaced by C.
Protein change: p.His355Pro; replaces histidine 355 with proline.
Molecular consequence: missense variant.
Genome position (GRCh38, 1-based): chr10:87,060,821, T>G on the plus strand (A>C on the coding strand, the complement: GLUD1 is on the minus strand). VCF-style: chr10-87060821-T-G. GRCh37 (hg19) VCF-style: chr10-88820578-T-G.
Other names: c.665A>C, p.His222Pro (NM_001318900.1); c.563A>C, p.His188Pro (NM_001318901.1, NM_001318902.1, NM_001318904.2 and 2 more transcripts); short protein forms H188P, H222P, H355P.
Identifiers: ClinVar variation 4745387 (VCV004745387.1).